The following is an entry in ClinVar:

ClinVar aggregate classification (germline): Uncertain significance (1 of 4 stars; one submission).

Allele frequency attached by ClinVar (database versions not stated): gnomAD 0.00001; TOPMed 0.00001.
gnomAD v4.1: 6 of 1,541,294 alleles (0.00039%); highest among the groups gnomAD compares: Admixed American, 0.01%; no homozygotes.

Submission:

Labcorp Genetics (formerly Invitae), Labcorp
Classification: Uncertain significance. Last evaluated: 2022-07-18. Review status: criteria provided, single submitter. Criteria: Invitae Variant Classification Sherloc (09022015). Collection method: clinical testing. Allele origin: germline.
Comment: This sequence change replaces alanine, which is neutral and non-polar, with valine, which is neutral and non-polar, at codon 387 of the KPNA7 protein (p.Ala387Val). This variant is present in population databases (no rsID available, gnomAD 0.02%). This variant has not been reported in the literature in individuals affected with KPNA7-related conditions. Algorithms developed to predict the effect of missense changes on protein structure and function output the following: SIFT: "Tolerated"; PolyPhen-2: "Benign"; Align-GVGD: "Class C0". The valine amino acid residue is found in multiple mammalian species, which suggests that this missense change does not adversely affect protein function. In summary, the available evidence is currently insufficient to determine the role of this variant in disease. Therefore, it has been classified as a Variant of Uncertain Significance.

NM_001145715.3(KPNA7):c.1160C>T (p.Ala387Val)

Gene: KPNA7 (karyopherin subunit alpha 7; minus strand). Cytogenetic location: 7q22.1.
Variant type: single nucleotide variant.
Coding change: c.1160C>T on transcript NM_001145715.3 (MANE Select); coding-DNA position 1160, C replaced by T.
Protein change: p.Ala387Val; replaces alanine 387 with valine.
Molecular consequence: missense variant.
Genome position (GRCh38, 1-based): chr7:99,182,040, G>A on the plus strand (C>T on the coding strand, the complement: KPNA7 is on the minus strand). VCF-style: chr7-99182040-G-A. GRCh37 (hg19) VCF-style: chr7-98779663-G-A.
Other names: short protein forms A387V.
Identifiers: ClinVar variation 2193356 (VCV002193356.1), dbSNP rs1289774683, ClinGen allele CA368418378.